The following is an entry in ClinVar:

ClinVar aggregate classification (germline): Conflicting classifications of pathogenicity. Review status: criteria provided, conflicting classifications (1 of 4 stars). 3 submissions from 3 submitters: Pathogenic (1); Uncertain significance (2). Last evaluated 2026-03-11.

Conditions:
5-Oxoprolinase deficiency (OPLAHD). Also called: 5-OXOPROLINURIA DUE TO 5-OXOPROLINASE DEFICIENCY. Identifiers: Orphanet 33572, MedGen C0268525, MONDO:0009825, OMIM 260005, HP:0040142.

Allele frequency attached by ClinVar (database versions not stated): ExAC 0.00003; gnomAD 0.00003 and 0.00004; gnomAD exomes 0.00004 and 0.00002; TOPMed 0.00004.
gnomAD v4.1: 30 of 1,612,346 alleles (0.0019%); highest among the groups gnomAD compares: Admixed American, 0.017%; no homozygotes.

Submissions (3):

Stanford Starfish Project, Stanford University
Classification: Pathogenic for 5-Oxoprolinase deficiency. Last evaluated: 2026-03-11. Review status: criteria provided, single submitter. Criteria: ACMG Guidelines, 2015. Collection method: provider interpretation. Allele origin: germline. Inheritance: Autosomal recessive inheritance. Affected: yes. Observed: 1 variant allele, 1 compound heterozygote.
Comment: This variant is predicted to result in the substitution of isoleucine, which is neutral and non-polar, by serine, which is neutral and polar, at amino acid 349 (p.Ile349Ser). This variant is rare in large population databases with an allele frequency of 0.01667% in Admixed American populations. See Observation 1 for details on clinical features. Variant assumed to be in trans with another inherited pathogenic variant in OPLAH (c.313_316del, p.Arg105Thrfs*48).

Ambry Genetics
Classification: Uncertain significance. Last evaluated: 2025-04-04. Review status: criteria provided, single submitter. Criteria: Ambry Variant Classification Scheme 2023. Collection method: clinical testing. Allele origin: germline.

Labcorp Genetics (formerly Invitae), Labcorp
Classification: Uncertain significance for 5-Oxoprolinase deficiency. Last evaluated: 2023-02-28. Review status: criteria provided, single submitter. Criteria: Invitae Variant Classification Sherloc (09022015). Collection method: clinical testing. Allele origin: germline.
Comment: In summary, the available evidence is currently insufficient to determine the role of this variant in disease. Therefore, it has been classified as a Variant of Uncertain Significance. Experimental studies and prediction algorithms are not available or were not evaluated, and the functional significance of this variant is currently unknown. ClinVar contains an entry for this variant (Variation ID: 1362805). This missense change has been observed in individual(s) with clinical features of 5-oxoprolinase deficiency (Invitae). In at least one individual the data is consistent with being in trans (on the opposite chromosome) from a pathogenic variant. This variant is present in population databases (rs782468679, gnomAD 0.01%). This sequence change replaces isoleucine, which is neutral and non-polar, with serine, which is neutral and polar, at codon 349 of the OPLAH protein (p.Ile349Ser).

NM_017570.5(OPLAH):c.1046T>G (p.Ile349Ser)

Gene: OPLAH (5-oxoprolinase, ATP-hydrolysing; minus strand). Cytogenetic location: 8q24.3.
Variant type: single nucleotide variant.
Coding change: c.1046T>G on transcript NM_017570.5 (MANE Select); coding-DNA position 1046, T replaced by G.
Protein change: p.Ile349Ser; replaces isoleucine 349 with serine.
Molecular consequence: missense variant.
Genome position (GRCh38, 1-based): chr8:144,058,052, A>C on the plus strand (T>G on the coding strand, the complement: OPLAH is on the minus strand). VCF-style: chr8-144058052-A-C. GRCh37 (hg19) VCF-style: chr8-145112955-A-C.
Other names: c.1046T>G (NM_017570.3, NM_017570.4); short protein forms I349S.
Identifiers: ClinVar variation 1362805 (VCV001362805.6), dbSNP rs782468679, ClinGen allele CA4932036.